The following is an entry in ClinVar:

NM_000161.3(GCH1):c.186_197delinsA (p.Asp63fs)

Gene: GCH1 (GTP cyclohydrolase 1; minus strand). Cytogenetic location: 14q22.2.
Variant type: Indel.
Coding change: c.186_197delinsA on transcript NM_000161.3 (MANE Select); coding-DNA positions 186 to 197, GGATAACGAGCT replaced by A.
Protein change: p.Asp63fs; shifts the reading frame from aspartic acid 63.
Molecular consequence: frameshift variant.
Genome position (GRCh38, 1-based): chr14:54,902,467-54,902,478, AGCTCGTTATCC replaced by T on the plus strand (GGATAACGAGCT replaced by A on the coding strand, the reverse complement: GCH1 is on the minus strand). VCF-style: chr14-54902467-AGCTCGTTATCC-T. GRCh37 (hg19) VCF-style: chr14-55369185-AGCTCGTTATCC-T.
Other names: c.186_197delinsA, p.Asp63fs (NM_001024024.2, NM_001024070.2, NM_001024071.2); short protein forms D63fs.
Identifiers: ClinVar variation 529414 (VCV000529414.5), dbSNP rs1555362845, ClinGen allele CA658798217.

ClinVar aggregate classification (germline): Pathogenic (1 of 4 stars; one submission).

Conditions:
GTP cyclohydrolase I deficiency. Identifiers: MedGen C0268467, MONDO:0100184.
Dystonia 5 (DRD). Also called: Dystonia, DOPA-responsive, with or without hyperphenylalaninemia; DYT-GCH1; DYSTONIA, PROGRESSIVE, WITH DIURNAL VARIATION; DYSTONIA-PARKINSONISM WITH DIURNAL FLUCTUATION; GTP Cyclohydrolase 1-Deficient Dopa-Responsive Dystonia. Identifiers: Orphanet 98808, MedGen C1851920, MONDO:0007495, OMIM 128230.

Submission:

Labcorp Genetics (formerly Invitae), Labcorp
Classification: Pathogenic for GTP cyclohydrolase I deficiency; Dystonia 5. Last evaluated: 2017-11-16. Review status: criteria provided, single submitter. Criteria: Invitae Variant Classification Sherloc (09022015). Collection method: clinical testing. Allele origin: germline.
Comment: For these reasons, this variant has been classified as Pathogenic. Loss-of-function variants in GCH1 are known to be pathogenic (PMID: 19491146). This variant has not been reported in the literature in individuals with GCH1-related disease. This variant is not present in population databases (ExAC no frequency). This sequence change creates a premature translational stop signal (p.Asp63Glufs*4) in the GCH1 gene. It is expected to result in an absent or disrupted protein product.

Literature cited by the submitters: PubMed 19491146.